The following is an entry in ClinVar:

NM_030632.3(ASXL3):c.1263dup (p.Leu422fs)

Gene: ASXL3 (ASXL transcriptional regulator 3; plus strand). Cytogenetic location: 18q12.1.
Variant type: Duplication.
Coding change: c.1263dup on transcript NM_030632.3 (MANE Select); coding-DNA position 1263, one base duplicated (T; older notation c.1263dupT).
Protein change: p.Leu422fs; shifts the reading frame from leucine 422.
Molecular consequence: frameshift variant.
Genome position (GRCh38, 1-based): chr18:33,738,667, T duplicated. VCF-style (leftmost placement, unchanged base first): chr18-33738666-C-CT. GRCh37 (hg19) VCF-style: chr18-31318630-C-CT.
Other names: p.Leu422fs; c.1263dupT (NM_030632.3); short protein forms L422fs.
Identifiers: ClinVar variation 4073615 (VCV004073615.1).

ClinVar aggregate classification (germline): Pathogenic (1 of 4 stars; one submission).

Conditions:
Bainbridge-Ropers syndrome. Also called: Severe feeding difficulties-failure to thrive-microcephaly due to ASXL3 deficiency syndrome. Identifiers: Orphanet 352577, MedGen C4750837, MONDO:0014205, OMIM 615485.

Submission:

Molecular Genetics and NGS Laboratory, Hospital Fundacion Valle Del Lili
Classification: Pathogenic for Bainbridge-Ropers syndrome. Last evaluated: 2025-08-10. Review status: criteria provided, single submitter. Criteria: ACMG Guidelines, 2015. Collection method: clinical testing. Allele origin: de novo. Inheritance: Autosomal dominant inheritance. Affected: yes. Observed: 1 heterozygote.
Comment: Loss-of-function is a known mechanism of disease (gene has 169 reported pathogenic LOF variants). The exon contains 177 pathogenic variants. The truncated region contains 65 pathogenic variants. - PM2: Variant not found in gnomAD genomes, good gnomAD genomes coverage = 32.4. Variant not found in gnomAD exomes, good gnomAD exomes coverage = 107.3. - PS2: De novo (both maternity and paternity confirmed) in a patient with the disease and no family history